The following is an entry in ClinVar:

NM_005227.3(EFNA4):c.429G>C (p.Gln143His)

Genes: ADAM15-EFNA4 (ADAM15-EFNA4 readthrough; plus strand), EFNA4 (ephrin A4; plus strand), EFNA4-EFNA3 (EFNA4-EFNA3 readthrough; plus strand). Cytogenetic location: 1q21.3.
Variant type: single nucleotide variant.
Coding change: c.429G>C on transcript NM_005227.3 (MANE Select); coding-DNA position 429, G replaced by C.
Protein change: p.Gln143His; replaces glutamine 143 with histidine.
Molecular consequence: missense variant. On other transcripts: non-coding transcript variant (1), intron variant (1).
Genome position (GRCh38, 1-based): chr1:155,067,400, G>C. VCF-style: chr1-155067400-G-C. GRCh37 (hg19) VCF-style: chr1-155039876-G-C.
Other names: c.201G>C, p.Gln67His (NM_001406810.1); c.429G>C, p.Gln143His (NM_182689.2, NM_182690.3); c.113+3464G>C (NM_001407761.1); short protein forms Q143H, Q67H.
Identifiers: ClinVar variation 3017647 (VCV003017647.3), dbSNP rs757589642, ClinGen allele CA1137638.

ClinVar aggregate classification (germline): Uncertain significance (1 of 4 stars; one submission).

Allele frequency attached by ClinVar (database versions not stated): ExAC 0.00001.
gnomAD v4.1: 3 of 1,614,110 alleles (0.00019%); highest among the groups gnomAD compares: African/African-American, 0.0013%; no homozygotes.

Submission:

Labcorp Genetics (formerly Invitae), Labcorp
Classification: Uncertain significance. Last evaluated: 2023-06-10. Review status: criteria provided, single submitter. Criteria: Invitae Variant Classification Sherloc (09022015). Collection method: clinical testing. Allele origin: germline.
Comment: In summary, the available evidence is currently insufficient to determine the role of this variant in disease. Therefore, it has been classified as a Variant of Uncertain Significance. An algorithm developed to predict the effect of missense changes on protein structure and function (PolyPhen-2) suggests that this variant is likely to be tolerated. This variant has not been reported in the literature in individuals affected with EFNA4-related conditions. This variant is present in population databases (rs757589642, gnomAD 0.004%). This sequence change replaces glutamine, which is neutral and polar, with histidine, which is basic and polar, at codon 143 of the EFNA4 protein (p.Gln143His).